The following is an entry in ClinVar:

ClinVar aggregate classification (germline): Uncertain significance (1 of 4 stars; one submission).

Submission:

Laboratorio de Genetica e Diagnostico Molecular, Hospital Israelita Albert Einstein
Classification: Uncertain significance. Last evaluated: 2019-06-28. Review status: criteria provided, single submitter. Criteria: ACMG Guidelines, 2015. Collection method: clinical testing. Allele origin: germline. Affected: yes.
Comment: ACMG classification criteria: PM1, PM2, PP3

NM_001845.6(COL4A1):c.2617G>C (p.Gly873Arg)

Gene: COL4A1 (collagen type IV alpha 1 chain; minus strand). Cytogenetic location: 13q34.
Variant type: single nucleotide variant.
Coding change: c.2617G>C on transcript NM_001845.6 (MANE Select); coding-DNA position 2617, G replaced by C.
Protein change: p.Gly873Arg; replaces glycine 873 with arginine.
Molecular consequence: missense variant.
Genome position (GRCh38, 1-based): chr13:110,178,073, C>G on the plus strand (G>C on the coding strand, the complement: COL4A1 is on the minus strand). VCF-style: chr13-110178073-C-G. GRCh37 (hg19) VCF-style: chr13-110830420-C-G.
Other names: short protein forms G873R.
Identifiers: ClinVar variation 1690655 (VCV001690655.2), dbSNP rs2139164168, ClinGen allele CA388667729.
Genomic context (GRCh38, chr13:110,178,073, plus strand): 5'-GAGGCCCATGTCTTCATGATGGATCCAGGCAGAAGTTCAAAAATCACTTACCTGGAAACC[C>G]AGGAATCCCAGGAGCCCCCTGCTGTCCAGGAAGGCCAGGGAGCCCCGACTGTCCCGTTAT-3'
Protein context (NP_001836.3, residues 863-883): PGQQGAPGIP[Gly873Arg]FPGSKGEMGV